The following is an entry in ClinVar:

NM_004715.5(CTDP1):c.1704G>A (p.Ala568=)

Gene: CTDP1 (CTD phosphatase 1; plus strand). Cytogenetic location: 18q23.
Variant type: single nucleotide variant.
Coding change: c.1704G>A on transcript NM_004715.5 (MANE Select); coding-DNA position 1704, G replaced by A.
Protein change: p.Ala568=; no amino-acid change (alanine 568 retained).
Molecular consequence: synonymous variant.
Genome position (GRCh38, 1-based): chr18:79,715,164, G>A. VCF-style: chr18-79715164-G-A. GRCh37 (hg19) VCF-style: chr18-77475164-G-A.
Other names: c.1347G>A, p.Ala449= (NM_001202504.1); c.1704G>A, p.Ala568= (NM_001318511.2, NM_048368.4).
Identifiers: ClinVar variation 4980415 (VCV004980415.1).
Genomic context (GRCh38, chr18:79,715,164, plus strand): 5'-TGCCGACAGGAAGGAGGCGGAGACCGAGTCACAGAACAGCGAGCTGTCGGGGGTCACTGC[G>A]GGTGAGTCCCTGGACCAGAGCATGGAGGAGGAGGAGGAGGAGGACACGGATGAGGATGAC-3'
Protein context (NP_004706.3, residues 558-578): SQNSELSGVT[Ala568=]GESLDQSMEE

ClinVar aggregate classification (germline): Likely benign (1 of 4 stars; one submission).

Conditions:
CTDP1-related disorder. Also called: CTDP1-related condition.

gnomAD v4.1: 146 of 1,613,256 alleles (0.0091%); highest among the groups gnomAD compares: Middle Eastern, 0.016%; no homozygotes.

Submission:

PreventionGenetics, part of Exact Sciences
Classification: Likely benign for CTDP1-related condition. Last evaluated: 2026-06-23. Review status: criteria provided, single submitter. Criteria: ACMG Guidelines, 2015. Collection method: clinical testing. Allele origin: germline.
Comment: This variant is classified as likely benign based on ACMG/AMP sequence variant interpretation guidelines (Richards et al. 2015 PMID: 25741868, with internal and published modifications).